The following is an entry in ClinVar:

ClinVar aggregate classification (germline): Pathogenic (0 of 4 stars; one submission).

Conditions:
Hearing loss, autosomal recessive. Also called: Deafness, autosomal recessive; Autosomal recessive nonsyndromic deafness; Rare autosomal recessive non-syndromic sensorineural deafness type DFNB; Nonsyndromic Hearing Loss, Recessive. Identifiers: Orphanet 90635, Orphanet 90636, MedGen C1846647, MONDO:0019588, OMIM 607197.

Submission:

Center for Statistical Genetics, Columbia University
Classification: Pathogenic for Hearing loss, autosomal recessive. Last evaluated: 2017-10-26. Review status: no assertion criteria provided. Collection method: research. Allele origin: germline. Inheritance: Oligogenic inheritance. Affected: yes. Observed: 2 variant alleles, 2 compound heterozygotes. Clinical features observed: Profound hearing impairment, Congenital sensorineural hearing impairment, Sensorineural hearing loss disorder.
Comment: Digenic inheritance

Multiple alleles

Variant type: CompoundHeterozygote.
Identifiers: ClinVar variation 544692 (VCV000544692.2).